The following is an entry in ClinVar:

NM_001830.4(CLCN4):c.1537C>T (p.Pro513Ser)

Gene: CLCN4 (Cl-/H+ antiporter 4; plus strand). Cytogenetic location: Xp22.2.
Variant type: single nucleotide variant.
Coding change: c.1537C>T on transcript NM_001830.4 (MANE Select); coding-DNA position 1537, C replaced by T.
Protein change: p.Pro513Ser; replaces proline 513 with serine.
Molecular consequence: missense variant.
Genome position (GRCh38, 1-based): chrX:10,212,614, C>T. VCF-style: chrX-10212614-C-T. GRCh37 (hg19) VCF-style: chrX-10180654-C-T.
Other names: c.1255C>T, p.Pro419Ser (NM_001256944.2); short protein forms P419S, P513S.
Identifiers: ClinVar variation 4888353 (VCV004888353.1).

ClinVar aggregate classification (germline): Likely pathogenic (1 of 4 stars; one submission).

Conditions:
Intellectual disability, X-linked 49 (MRXSRC). Also called: MRX49; CLCN4-Related Neurodevelopmental Disorder; MENTAL RETARDATION, X-LINKED 15; CLCN4-related X-linked intellectual disability syndrome; RAYNAUD-CLAES SYNDROME. Identifiers: Orphanet 485350, Orphanet 777, MedGen C0796221, MONDO:0010250, OMIM 300114.

Submission:

New York Genome Center
Classification: Likely pathogenic for Intellectual disability, X-linked 49. Last evaluated: 2023-09-07. Review status: criteria provided, single submitter. Criteria: NYGC Assertion Criteria 2020. Collection method: clinical testing. Allele origin: de novo. Affected: yes. Observed: 1 variant allele, 1 heterozygote.
Comment: The de novo c.1537C>T variant identified in the CLCN4 gene has not been reported in the literature or ClinVar for CLCN4-related disorders. The c.1537C>T variant is absent from population databases (gnomAD v2.1.1 and v3.1.2, TOPMed Freeze 8, All of Us), suggesting it is not a common benign variant in the populations represented in those databases. The c.1537C>T variant is located in exon 10 of this 13-exon gene and is predicted to replace a highly conserved proline with serine at position 513 of the encoded protein (p.(Pro513Ser)). In silico predictions strongly support a damaging effect [REVEL 0.94], but functional studies to support or refute these predictions have not been reported. De novo pathogenic variants around the p.Pro513 residue have been reported in females as de novo pathogenic variants and also as pathogenic hemizygous variants in males [PMID:36385166]. Based on available evidence, the de novo c.1537C>T p.(Pro513Ser) variant identified in the CLCN4 gene is classified as Likely Pathogenic.